The following is an entry in ClinVar:

ClinVar aggregate classification (germline): Uncertain significance. Review status: criteria provided, multiple submitters, no conflicts (2 of 4 stars). 3 submissions from 3 submitters: Uncertain significance (3). Last evaluated 2025-01-05.

Conditions:
Inborn genetic diseases. Identifiers: MedGen C0950123, MeSH D030342.
Erythrocytosis, familial, 4 (ECYT4). Identifiers: Orphanet 247511, MedGen C2673187, MONDO:0012729, OMIM 611783.

Allele frequency attached by ClinVar (database versions not stated): gnomAD exomes below 0.00001; 1000 Genomes Project 0.00020; 1000 Genomes Project 30x 0.00031.
gnomAD v4.1: 5 of 1,497,410 alleles (0.00033%); highest among the groups gnomAD compares: Admixed American, 0.0091%; no homozygotes.

Submissions (3):

Labcorp Genetics (formerly Invitae), Labcorp
Classification: Uncertain significance. Last evaluated: 2025-01-05. Review status: criteria provided, single submitter. Criteria: Invitae Variant Classification Sherloc (09022015). Collection method: clinical testing. Allele origin: germline.
Comment: This sequence change replaces alanine, which is neutral and non-polar, with threonine, which is neutral and polar, at codon 81 of the EPAS1 protein (p.Ala81Thr). This variant is not present in population databases (gnomAD no frequency). This variant has not been reported in the literature in individuals affected with EPAS1-related conditions. ClinVar contains an entry for this variant (Variation ID: 2441240). An algorithm developed to predict the effect of missense changes on protein structure and function (PolyPhen-2) suggests that this variant is likely to be tolerated. In summary, the available evidence is currently insufficient to determine the role of this variant in disease. Therefore, it has been classified as a Variant of Uncertain Significance.

Ambry Genetics
Classification: Uncertain significance for Inborn genetic diseases. Last evaluated: 2023-02-20. Review status: criteria provided, single submitter. Criteria: Ambry Variant Classification Scheme 2023. Collection method: clinical testing. Allele origin: germline.
Comment: The p.A81T variant (also known as c.241G>A), located in coding exon 3 of the EPAS1 gene, results from a G to A substitution at nucleotide position 241. The alanine at codon 81 is replaced by threonine, an amino acid with similar properties. This amino acid position is conserved. In addition, this alteration is predicted to be tolerated by in silico analysis. Since supporting evidence is limited at this time, the clinical significance of this alteration remains unclear.

Revvity Omics, Revvity
Classification: Uncertain significance for Erythrocytosis, familial, 4. Last evaluated: 2020-03-12. Review status: criteria provided, single submitter. Criteria: ACMG Guidelines, 2015. Collection method: clinical testing. Allele origin: germline.

NM_001430.5(EPAS1):c.241G>A (p.Ala81Thr)

Gene: EPAS1 (endothelial PAS domain protein 1; plus strand). Cytogenetic location: 2p21.
Variant type: single nucleotide variant.
Coding change: c.241G>A on transcript NM_001430.5 (MANE Select); coding-DNA position 241, G replaced by A.
Protein change: p.Ala81Thr; replaces alanine 81 with threonine.
Molecular consequence: missense variant.
Genome position (GRCh38, 1-based): chr2:46,356,174, G>A. VCF-style: chr2-46356174-G-A. GRCh37 (hg19) VCF-style: chr2-46583313-G-A.
Other names: short protein forms A81T.
Identifiers: ClinVar variation 2441240 (VCV002441240.7), dbSNP rs202074818, ClinGen allele CA46539110.
Genomic context (GRCh38, chr2:46,356,174, plus strand): 5'-CATTCATGCAAGCTGTCCCACCCCCCCCCCTTTCCAGTTTGCTCTGAAAACGAGTCCGAA[G>A]CCGAAGCTGACCAGCAGATGGACAACTTGTACCTGAAAGCCTTGGAGGGTTTCATTGCCG-3'
Protein context (NP_001421.2, residues 71-91): SSVCSENESE[Ala81Thr]EADQQMDNLY